The following is an entry in ClinVar:

ClinVar aggregate classification (germline): Uncertain significance. Review status: criteria provided, multiple submitters, no conflicts (2 of 4 stars). 3 submissions from 3 submitters: Uncertain significance (3). Last evaluated 2025-11-04.

Conditions:
Saldino-Mainzer syndrome (SRTD9). Also called: CONORENAL SYNDROME; Renal dysplasia, retinal pigmentary dystrophy, cerebellar ataxia and skeletal dysplasia; short-rib thoracic dysplasia 9 with or without polydactyly; SHORT-RIB THORACIC DYSPLASIA 9 WITHOUT POLYDACTYLY. Identifiers: Orphanet 140969, MedGen C1849437, MONDO:0009964, OMIM 266920.
Retinitis pigmentosa 80 (RP80). Identifiers: MedGen C4540439, MONDO:0054708, OMIM 617781.

Allele frequency attached by ClinVar (database versions not stated): gnomAD 0.00001; ExAC 0.00002; gnomAD exomes 0.00002; TOPMed 0.00002; 1000 Genomes Project 30x 0.00016; 1000 Genomes Project 0.00020.
gnomAD v4.1: 20 of 1,610,152 alleles (0.0012%); highest among the groups gnomAD compares: East Asian, 0.0089%; no homozygotes.

Submissions (3):

Labcorp Genetics (formerly Invitae), Labcorp
Classification: Uncertain significance for Saldino-Mainzer syndrome. Last evaluated: 2025-11-04. Review status: criteria provided, single submitter. Criteria: Invitae Variant Classification Sherloc (09022015). Collection method: clinical testing. Allele origin: germline.
Comment: This sequence change replaces arginine, which is basic and polar, with glutamine, which is neutral and polar, at codon 816 of the IFT140 protein (p.Arg816Gln). This variant is present in population databases (rs536061072, gnomAD 0.01%). This variant has not been reported in the literature in individuals affected with IFT140-related conditions. ClinVar contains an entry for this variant (Variation ID: 1017119). Invitae Evidence Modeling of protein sequence and biophysical properties (such as structural, functional, and spatial information, amino acid conservation, physicochemical variation, residue mobility, and thermodynamic stability) has been performed for this missense variant. However, the output from this modeling did not meet the statistical confidence thresholds required to predict the impact of this variant on IFT140 protein function. In summary, the available evidence is currently insufficient to determine the role of this variant in disease. Therefore, it has been classified as a Variant of Uncertain Significance.

Fulgent Genetics
Classification: Uncertain significance for Saldino-Mainzer syndrome; Retinitis pigmentosa 80. Last evaluated: 2022-03-21. Review status: criteria provided, single submitter. Criteria: ACMG Guidelines, 2015. Collection method: clinical testing. Allele origin: unknown.

Blueprint Genetics
Classification: Uncertain significance. Last evaluated: 2021-10-08. Review status: criteria provided, single submitter. Criteria: ACMG Guidelines, 2015. Collection method: clinical testing. Allele origin: germline.

NM_014714.4(IFT140):c.2447G>A (p.Arg816Gln)

Gene: IFT140 (intraflagellar transport 140; minus strand). Cytogenetic location: 16p13.3.
Variant type: single nucleotide variant.
Coding change: c.2447G>A on transcript NM_014714.4 (MANE Select); coding-DNA position 2447, G replaced by A.
Protein change: p.Arg816Gln; replaces arginine 816 with glutamine.
Molecular consequence: missense variant.
Genome position (GRCh38, 1-based): chr16:1,526,749, C>T on the plus strand (G>A on the coding strand, the complement: IFT140 is on the minus strand). VCF-style: chr16-1526749-C-T. GRCh37 (hg19) VCF-style: chr16-1576750-C-T.
Other names: short protein forms R816Q.
Identifiers: ClinVar variation 1017119 (VCV001017119.10), dbSNP rs536061072, ClinGen allele CA7813622.